The following is an entry in ClinVar:

NM_000202.8(IDS):c.1296del (p.Leu431_Cys432insTer)

Gene: IDS (iduronate 2-sulfatase; minus strand). Cytogenetic location: Xq28.
Variant type: Deletion.
Coding change: c.1296del on transcript NM_000202.8 (MANE Select); coding-DNA position 1296, one base deleted (C; older notation c.1296delC).
Protein change: p.Leu431_Cys432insTer.
Molecular consequence: nonsense.
Genome position (GRCh38, 1-based): chrX:149,483,103, G deleted on the plus strand (C on the coding strand, the reverse complement: IDS is on the minus strand). VCF-style (leftmost placement, unchanged base first): chrX-149483102-TG-T. GRCh37 (hg19) VCF-style: chrX-148564633-TG-T.
Other names: c.1026del, p.Leu341_Cys342insTer (NM_001166550.4).
Identifiers: ClinVar variation 3663207 (VCV003663207.2).

ClinVar aggregate classification (germline): Pathogenic (1 of 4 stars; one submission).

Conditions:
Mucopolysaccharidosis, MPS-II (MPS2). Also called: Attenuated MPS (subtype; formerly known as mild MPS II); Severe MPS II; I2S deficiency; MPS 2; Hunter Syndrome; IDURONATE 2-SULFATASE DEFICIENCY. Identifiers: Orphanet 580, Orphanet 79388, MedGen C0026705, MONDO:0010674, OMIM 309900.

Submission:

Labcorp Genetics (formerly Invitae), Labcorp
Classification: Pathogenic for Mucopolysaccharidosis, MPS-II. Last evaluated: 2024-08-21. Review status: criteria provided, single submitter. Criteria: Invitae Variant Classification Sherloc (09022015). Collection method: clinical testing. Allele origin: germline.
Comment: This sequence change creates a premature translational stop signal (p.Cys432*) in the IDS gene. While this is not anticipated to result in nonsense mediated decay, it is expected to disrupt the last 119 amino acid(s) of the IDS protein. This variant is not present in population databases (gnomAD no frequency). This variant has not been reported in the literature in individuals affected with IDS-related conditions. This variant disrupts a region of the IDS protein in which other variant(s) (p.Arg443*) have been determined to be pathogenic (PMID: 18500569, 21291454, 21829674, 27146977). This suggests that this is a clinically significant region of the protein, and that variants that disrupt it are likely to be disease-causing. For these reasons, this variant has been classified as Pathogenic.

Literature cited by the submitters: PubMed 18500569; PubMed 21291454; PubMed 21829674; PubMed 27146977.